The following is an entry in ClinVar:

NM_013275.6(ANKRD11):c.1360G>A (p.Val454Met)

Gene: ANKRD11 (ankyrin repeat domain 11; minus strand). Cytogenetic location: 16q24.3.
Variant type: single nucleotide variant.
Coding change: c.1360G>A on transcript NM_013275.6 (MANE Select); coding-DNA position 1360, G replaced by A.
Protein change: p.Val454Met; replaces valine 454 with methionine.
Molecular consequence: missense variant.
Genome position (GRCh38, 1-based): chr16:89,285,182, C>T on the plus strand (G>A on the coding strand, the complement: ANKRD11 is on the minus strand). VCF-style: chr16-89285182-C-T. GRCh37 (hg19) VCF-style: chr16-89351590-C-T.
Other names: c.1360G>A (NM_013275.4); c.1360G>A, p.Val454Met (NM_001256182.2, NM_001256183.2); short protein forms V454M.
Identifiers: ClinVar variation 1199537 (VCV001199537.35), dbSNP rs149569330, ClinGen allele CA8242796.
Genomic context (GRCh38, chr16:89,285,182, plus strand): 5'-CGCTCCGCTTTCCGAAGCGAACCTCTCTGCCTTTTGTTTCTTTCTTTCGCTTCTTTTTCA[C>T]TTTATTTTTTTCCTTCTGCTGCTTGGCATTAGAAGGCTCTCGTGTCTTACTACCAGGCAA-3'
Protein context (NP_037407.4, residues 444-464): NAKQQKEKNK[Val454Met]KKKRKKETKG

ClinVar aggregate classification (germline): Conflicting classifications of pathogenicity. Review status: criteria provided, conflicting classifications (1 of 4 stars). 6 submissions from 6 submitters: Uncertain significance (1); Likely benign (4). 1 of the submissions does not count toward it. Last evaluated 2025-09-03.

Conditions:
Inborn genetic diseases. Identifiers: MedGen C0950123, MeSH D030342.
ANKRD11-related disorder. Also called: ANKRD11-related condition.
KBG syndrome (KBGS). Also called: ANKRD11-Related KBG Syndrome. Identifiers: Orphanet 2332, MedGen C0220687, MONDO:0007846, OMIM 148050.

Allele frequency attached by ClinVar (database versions not stated): gnomAD 0.00008; gnomAD exomes 0.00008 and 0.00022; ExAC 0.00009; TOPMed 0.00009; ESP Exome Variant Server 0.00015.
gnomAD v4.1: 333 of 1,613,412 alleles (0.021%); highest among the groups gnomAD compares: Non-Finnish European, 0.027%; no homozygotes.

Submissions (6):

Labcorp Genetics (formerly Invitae), Labcorp
Classification: Likely benign for KBG syndrome. Last evaluated: 2025-09-03. Review status: criteria provided, single submitter. Criteria: Invitae Variant Classification Sherloc (09022015). Collection method: clinical testing. Allele origin: germline.

CeGaT Center for Human Genetics Tuebingen
Classification: Likely benign. Last evaluated: 2025-06-01. Review status: criteria provided, single submitter. Criteria: CeGaT Center For Human Genetics Tuebingen Variant Classification Criteria Version 2. Collection method: clinical testing. Allele origin: germline. Affected: yes. Observed: 2 variant alleles.
Comment: ANKRD11: BP4, BS2

Ambry Genetics
Classification: Likely benign for Inborn genetic diseases. Last evaluated: 2021-08-10. Review status: criteria provided, single submitter. Criteria: Ambry Variant Classification Scheme 2023. Collection method: clinical testing. Allele origin: germline.

New York Genome Center
Classification: Uncertain significance for KBG syndrome. Last evaluated: 2020-06-18. Review status: criteria provided, single submitter. Criteria: NYGC Assertion Criteria 2020. Collection method: clinical testing. Allele origin: germline. Observed: 1 heterozygote. Study: CSER-NYCKidSeq.

GeneDx
Classification: Likely benign. Last evaluated: 2019-07-03. Review status: criteria provided, single submitter. Criteria: GeneDx Variant Classification Process June 2021. Collection method: clinical testing. Allele origin: germline. Affected: yes.

PreventionGenetics, part of Exact Sciences
Classification: Likely benign for ANKRD11-related condition. Last evaluated: 2024-03-28. Review status: no assertion criteria provided. Collection method: clinical testing. Allele origin: germline. Not counted in ClinVar's aggregate classification.
Comment: This variant is classified as likely benign based on ACMG/AMP sequence variant interpretation guidelines (Richards et al. 2015 PMID: 25741868, with internal and published modifications).